The following is an entry in ClinVar:

ClinVar aggregate classification (germline): Pathogenic (1 of 4 stars; one submission).

Submission:

CeGaT Center for Human Genetics Tuebingen
Classification: Pathogenic. Last evaluated: 2025-02-01. Review status: criteria provided, single submitter. Criteria: CeGaT Center For Human Genetics Tuebingen Variant Classification Criteria Version 2. Collection method: clinical testing. Allele origin: germline. Affected: yes. Observed: 1 variant allele.
Comment: BCKDHB: PVS1, PM2, PP4

NM_183050.4(BCKDHB):c.187del (p.Arg63fs)

Gene: BCKDHB (branched chain keto acid dehydrogenase E1 subunit beta; plus strand). Cytogenetic location: 6q14.1.
Variant type: Deletion.
Coding change: c.187del on transcript NM_183050.4 (MANE Select); coding-DNA position 187, one base deleted (C; older notation c.187delC).
Protein change: p.Arg63fs; shifts the reading frame from arginine 63.
Molecular consequence: frameshift variant. On other transcripts: non-coding transcript variant (6), intron variant (2).
Genome position (GRCh38, 1-based): chr6:80,106,880, C deleted; the last of 4 consecutive C bases (chr6:80,106,877-80,106,880); deleting any one gives the same sequence. VCF-style (leftmost placement, unchanged base first): chr6-80106876-GC-G. GRCh37 (hg19) VCF-style: chr6-80816593-GC-G.
Other names: c.187del, p.Arg63fs (NM_000056.5, NM_001424035.1, NM_001424036.1 and 8 more transcripts); c.-15+197del (NM_001318975.1); c.-15+37del (NM_001424043.1); short protein forms R63fs.
Identifiers: ClinVar variation 3772598 (VCV003772598.13).